The following is an entry in ClinVar:

NM_001040108.2(MLH3):c.4131T>A (p.Ser1377Arg)

Gene: MLH3 (mutL homolog 3; minus strand). Cytogenetic location: 14q24.3.
Variant type: single nucleotide variant.
Coding change: c.4131T>A on transcript NM_001040108.2 (MANE Select); coding-DNA position 4131, T replaced by A.
Protein change: p.Ser1377Arg; replaces serine 1377 with arginine.
Molecular consequence: missense variant.
Genome position (GRCh38, 1-based): chr14:75,018,940, A>T on the plus strand (T>A on the coding strand, the complement: MLH3 is on the minus strand). VCF-style: chr14-75018940-A-T. GRCh37 (hg19) VCF-style: chr14-75485643-A-T.
Other names: c.4059T>A, p.Ser1353Arg (NM_014381.3); short protein forms S1353R, S1377R.
Identifiers: ClinVar variation 1738091 (VCV001738091.3), dbSNP rs2503045181, ClinGen allele CA390420038.
Genomic context (GRCh38, chr14:75,018,940, plus strand): 5'-TCTCCCGTGAGCACACTGGAATGGCAGCTGGCATGAGGACAGAGCTTCAATAAGGCGGCA[A>T]CTTTCCTGTAAGCTCAGGCCATCATTAAACTTAATGGCCCCTAAATGAAAGACAGAAACA-3'
Protein context (NP_001035197.1, residues 1367-1387): KFNDGLSLQE[Ser1377Arg]CRLIEALSSC

ClinVar aggregate classification (germline): Uncertain significance (1 of 4 stars; one submission).

Submission:

Ambry Genetics
Classification: Uncertain significance. Last evaluated: 2024-09-21. Review status: criteria provided, single submitter. Criteria: Ambry Variant Classification Scheme 2023. Collection method: clinical testing. Allele origin: germline.
Comment: The p.S1377R variant (also known as c.4131T>A), located in coding exon 11 of the MLH3 gene, results from a T to A substitution at nucleotide position 4131. The serine at codon 1377 is replaced by arginine, an amino acid with dissimilar properties. This amino acid position is conserved. In addition, the in silico prediction for this alteration is inconclusive. Since supporting evidence is limited at this time, the clinical significance of this alteration remains unclear.